The following is an entry in ClinVar:

NM_177973.2(SULT2B1):c.133T>G (p.Ser45Ala)

Gene: SULT2B1 (sulfotransferase family 2B member 1; plus strand). Cytogenetic location: 19q13.33.
Variant type: single nucleotide variant.
Coding change: c.133T>G on transcript NM_177973.2 (MANE Select); coding-DNA position 133, T replaced by G.
Protein change: p.Ser45Ala; replaces serine 45 with alanine.
Molecular consequence: missense variant.
Genome position (GRCh38, 1-based): chr19:48,576,002, T>G. VCF-style: chr19-48576002-T-G. GRCh37 (hg19) VCF-style: chr19-49079259-T-G.
Other names: c.88T>G, p.Ser30Ala (NM_004605.2); short protein forms S45A, S30A.
Identifiers: ClinVar variation 4744714 (VCV004744714.1).

ClinVar aggregate classification (germline): Uncertain significance (1 of 4 stars; one submission).

Submission:

Labcorp Genetics (formerly Invitae), Labcorp
Classification: Uncertain significance. Last evaluated: 2025-03-21. Review status: criteria provided, single submitter. Criteria: Invitae Variant Classification Sherloc (09022015). Collection method: clinical testing. Allele origin: germline.
Comment: This sequence change replaces serine, which is neutral and polar, with alanine, which is neutral and non-polar, at codon 45 of the SULT2B1 protein (p.Ser45Ala). This variant is not present in population databases (gnomAD no frequency). This variant has not been reported in the literature in individuals affected with SULT2B1-related conditions. Invitae Evidence Modeling of protein sequence and biophysical properties (such as structural, functional, and spatial information, amino acid conservation, physicochemical variation, residue mobility, and thermodynamic stability) indicates that this missense variant is not expected to disrupt SULT2B1 protein function with a negative predictive value of 80%. In summary, the available evidence is currently insufficient to determine the role of this variant in disease. Therefore, it has been classified as a Variant of Uncertain Significance.